The following is an entry in ClinVar:

ClinVar aggregate classification (germline): Conflicting classifications of pathogenicity. Review status: criteria provided, conflicting classifications (1 of 4 stars). 4 submissions from 4 submitters: Pathogenic (2); Likely pathogenic (1); Uncertain significance (1). Last evaluated 2025-12-08.

Conditions:
Hypertrophic cardiomyopathy 1 (CMH1). Also called: Familial hypertrophic cardiomyopathy 1; MYH7-Related Familial Hypertrophic Cardiomyopathy. Identifiers: MedGen C3495498, MONDO:0008647, OMIM 192600.
Cardiomyopathy (CMYO). Also called: Cardiomyopathies. Identifiers: Orphanet 167848, MedGen C0878544, MONDO:0004994, HP:0001638. Inheritance: Various modes of inheritance.
Hypertrophic cardiomyopathy. Also called: HYPERTROPHIC MYOCARDIOPATHY. Identifiers: Orphanet 217569, MedGen C0007194, MeSH D002312, MONDO:0005045, HP:0001639.
Cardiovascular phenotype. Identifiers: MedGen CN230736.

Submissions (4):

Labcorp Genetics (formerly Invitae), Labcorp
Classification: Pathogenic for Hypertrophic cardiomyopathy. Last evaluated: 2025-12-08. Review status: criteria provided, single submitter. Criteria: Invitae Variant Classification Sherloc (09022015). Collection method: clinical testing. Allele origin: germline.
Comment: This sequence change replaces leucine, which is neutral and non-polar, with phenylalanine, which is neutral and non-polar, at codon 796 of the MYH7 protein (p.Leu796Phe). This variant is not present in population databases (gnomAD no frequency). This missense change has been observed in individuals with hypertrophic cardiomyopathy (PMID: 12974739; internal data). It has also been observed to segregate with disease in related individuals. ClinVar contains an entry for this variant (Variation ID: 626545). Invitae Evidence Modeling of protein sequence and biophysical properties (such as structural, functional, and spatial information, amino acid conservation, physicochemical variation, residue mobility, and thermodynamic stability) indicates that this missense variant is expected to disrupt MYH7 protein function with a positive predictive value of 95%. This variant is found within a region of MYH7 between codons 181 and 937 that contains the majority of the myosin head domain. Missense variants in this region have been shown to be significantly overrepresented in individuals with hypertrophic cardiomyopathy (PMID: 27532257). For these reasons, this variant has been classified as Pathogenic.

Ambry Genetics
Classification: Likely pathogenic for Cardiovascular phenotype. Last evaluated: 2024-08-21. Review status: criteria provided, single submitter. Criteria: Ambry Variant Classification Scheme 2023. Collection method: clinical testing. Allele origin: germline.
Comment: The p.L796F variant (also known as c.2386C>T), located in coding exon 19 of the MYH7 gene, results from a C to T substitution at nucleotide position 2386. The leucine at codon 796 is replaced by phenylalanine, an amino acid with highly similar properties, and is located in the head domain. This variant has been detected in association with hypertrophic cardiomyopathy (HCM) (Erdmann J et al. Clin. Genet., 2003 Oct;64:339-49; external communication). This variant has also been shown to segregate with disease in some families (Erdmann J et al. Clin. Genet., 2003 Oct;64:339-49; external communication). This alteration is located in the myosin head domain, which contains a statistically significant clustering of pathogenic missense variants (Homburger JR et al. Proc Natl Acad Sci U S A, 2016 06;113:6701-6; Walsh R et al. Genet Med, 2017 02;19:192-203; Ambry internal data). This amino acid position is highly conserved in available vertebrate species. In addition, this alteration is predicted to be deleterious by in silico analysis. This variant is considered to be rare based on population cohorts in the Genome Aggregation Database (gnomAD). Based on the majority of available evidence to date, this variant is likely to be pathogenic.

CHEO Genetics Diagnostic Laboratory, Children's Hospital of Eastern Ontario
Classification: Uncertain significance for Cardiomyopathy. Last evaluated: 2017-01-19. Review status: criteria provided, single submitter. Criteria: ACMG Guidelines, 2015. Collection method: clinical testing. Allele origin: germline. Study: Canadian Open Genetics Repository.

Kasturba Medical College, Manipal, Kasturba Medical College, Manipal, Manipal Academy of Higher Education, Manipal, India
Classification: Pathogenic for Hypertrophic cardiomyopathy 1. Review status: criteria provided, single submitter. Criteria: ACMG Guidelines, 2015. Collection method: clinical testing. Allele origin: maternal. Inheritance: Autosomal dominant inheritance. Observed: 1 heterozygote.
Comment: This variant is not present in gnomAD and our in-house database of 3204 exomes. In-silico analysis tools (REVEL, MutationTaster, CADD_phred) are consistent in predicting the variant to be disease causing. Heterozygous missense variants in MYH7 are associated with hypertrophic cardiomyopathy with adult onset (MIM# 192600) (Erdmann et al., 2003)

Literature cited by the submitters: PubMed 12974739 (cited by Labcorp Genetics (formerly Invitae), Labcorp and Ambry Genetics); PubMed 27532257 (cited by Labcorp Genetics (formerly Invitae), Labcorp); PubMed 11499719 (cited by Ambry Genetics).

NM_000257.4(MYH7):c.2386C>T (p.Leu796Phe)

Genes: MYH7 (myosin heavy chain 7; minus strand), LOC126861898 (BRD4-independent group 4 enhancer GRCh37_chr14:23893609-23894808; plus strand). Cytogenetic location: 14q11.2.
Variant type: single nucleotide variant.
Coding change: c.2386C>T on transcript NM_000257.4 (MANE Select); coding-DNA position 2386, C replaced by T.
Protein change: p.Leu796Phe; replaces leucine 796 with phenylalanine.
Molecular consequence: missense variant.
Genome position (GRCh38, 1-based): chr14:23,425,319, G>A on the plus strand (C>T on the coding strand, the complement: MYH7 is on the minus strand). VCF-style: chr14-23425319-G-A. GRCh37 (hg19) VCF-style: chr14-23894528-G-A.
Other names: c.2386C>T (LRG_384t1); short protein forms L796F.
Identifiers: ClinVar variation 626545 (VCV000626545.13), dbSNP rs1222361739, ClinGen allele CA389048527.
Genomic context (GRCh38, chr14:23,425,319, plus strand): 5'-AACCTCCTCTTGAGATCTCTCACCTACGTTCCAGCAGCTTTTTGTACTCCATTCTGGCGA[G>A]CACACCTCGGGACTGGGCCTGGATACGCGTGATGATGCGGCTCAGCCTCTCGTCCCTCAT-3'
Protein context (NP_000248.2, residues 786-806): TRIQAQSRGV[Leu796Phe]ARMEYKKLLE